The following is an entry in ClinVar:

ClinVar aggregate classification (germline): Likely benign. Review status: criteria provided, multiple submitters, no conflicts (2 of 4 stars). 5 submissions from 5 submitters: Likely benign (5). Last evaluated 2024-07-24.

Conditions:
Cardiomyopathy (CMYO). Also called: Cardiomyopathies. Identifiers: Orphanet 167848, MedGen C0878544, MONDO:0004994, HP:0001638. Inheritance: Various modes of inheritance.
Catecholaminergic polymorphic ventricular tachycardia 1. Also called: VENTRICULAR TACHYCARDIA, STRESS-INDUCED POLYMORPHIC 1; VENTRICULAR TACHYCARDIA, CATECHOLAMINERGIC POLYMORPHIC, 1, WITH OR WITHOUT ATRIAL DYSFUNCTION AND/OR DILATED CARDIOMYOPATHY; RYR2-Related Catecholaminergic Polymorphic Ventricular Tachycardia. Identifiers: Orphanet 3286, MedGen C1631597, MONDO:0011484, OMIM 604772.
Cardiovascular phenotype. Identifiers: MedGen CN230736.
Catecholaminergic polymorphic ventricular tachycardia (CVPT). Also called: Catecholamine-induced polymorphic ventricular tachycardia. Identifiers: Orphanet 3286, MedGen C5574922, MONDO:0017990.

Allele frequency attached by ClinVar (database versions not stated): TOPMed below 0.00001; gnomAD 0.00001; gnomAD exomes 0.00002; ExAC 0.00004.
gnomAD v4.1: 32 of 1,563,248 alleles (0.002%); highest among the groups gnomAD compares: Non-Finnish European, 0.0026%; no homozygotes.

Submissions (5):

Blueprint Genetics
Classification: Likely benign. Last evaluated: 2024-07-24. Review status: criteria provided, single submitter. Criteria: ACMG Guidelines, 2015. Collection method: clinical testing. Allele origin: germline.

Labcorp Genetics (formerly Invitae), Labcorp
Classification: Likely benign for Catecholaminergic polymorphic ventricular tachycardia 1. Last evaluated: 2023-08-11. Review status: criteria provided, single submitter. Criteria: Invitae Variant Classification Sherloc (09022015). Collection method: clinical testing. Allele origin: germline.

All of Us Research Program, National Institutes of Health
Classification: Likely benign for Catecholaminergic polymorphic ventricular tachycardia. Last evaluated: 2023-02-24. Review status: criteria provided, single submitter. Criteria: ACMG Guidelines, 2015. Collection method: clinical testing. Allele origin: germline. Inheritance: Autosomal dominant inheritance. Observed: 1 variant allele, 1 heterozygote.
Comment: This study involves interpretation of variants in research participants for the purpose of population health screening. Participant phenotype was not available at the time of variant classification. Additional details can be found in publication PMID: 35346344, PMCID: PMC8962531

Color Diagnostics, LLC DBA Color Health
Classification: Likely benign for Cardiomyopathy. Last evaluated: 2022-11-06. Review status: criteria provided, single submitter. Criteria: ACMG Guidelines, 2015. Collection method: clinical testing. Allele origin: germline.

Ambry Genetics
Classification: Likely benign for Cardiovascular phenotype. Last evaluated: 2022-02-14. Review status: criteria provided, single submitter. Criteria: Ambry Variant Classification Scheme 2023. Collection method: clinical testing. Allele origin: germline.

NM_001035.3(RYR2):c.11112T>C (p.Asp3704=)

Gene: RYR2 (ryanodine receptor 2; plus strand). Cytogenetic location: 1q43.
Variant type: single nucleotide variant.
Coding change: c.11112T>C on transcript NM_001035.3 (MANE Select); coding-DNA position 11112, T replaced by C.
Protein change: p.Asp3704=; no amino-acid change (aspartic acid 3704 retained).
Molecular consequence: synonymous variant.
Genome position (GRCh38, 1-based): chr1:237,742,316, T>C. VCF-style: chr1-237742316-T-C. GRCh37 (hg19) VCF-style: chr1-237905616-T-C.
Identifiers: ClinVar variation 713876 (VCV000713876.17), dbSNP rs779013786, ClinGen allele CA084736.